The following is an entry in ClinVar:

ClinVar aggregate classification (germline): Likely benign (1 of 4 stars; one submission).

Conditions:
Malignant hyperthermia, susceptibility to, 1 (MHS1). Also called: RYR1-Related Malignant Hyperthermia Susceptibility; Anesthesia related hyperthermia; Malignant hyperpyrexia; Fulminating hyperpyrexia; Pharmacogenic myopathy; Malignant hyperthermia suceptibility 1. Identifiers: Orphanet 423, MedGen C2930980, MONDO:0007783, OMIM 145600.

Submission:

All of Us Research Program, National Institutes of Health
Classification: Likely benign for Malignant hyperthermia, susceptibility to, 1. Last evaluated: 2023-03-23. Review status: criteria provided, single submitter. Criteria: ACMG Guidelines, 2015. Collection method: clinical testing. Allele origin: germline. Inheritance: Autosomal dominant inheritance. Observed: 1 variant allele, 1 heterozygote.
Comment: This study involves interpretation of variants in research participants for the purpose of population health screening. Participant phenotype was not available at the time of variant classification. Additional details can be found in publication PMID: 35346344, PMCID: PMC8962531

NM_000540.3(RYR1):c.6771G>C (p.Leu2257=)

Gene: RYR1 (ryanodine receptor 1; plus strand). Cytogenetic location: 19q13.2.
Variant type: single nucleotide variant.
Coding change: c.6771G>C on transcript NM_000540.3 (MANE Select); coding-DNA position 6771, G replaced by C.
Protein change: p.Leu2257=; no amino-acid change (leucine 2257 retained).
Molecular consequence: synonymous variant.
Genome position (GRCh38, 1-based): chr19:38,496,516, G>C. VCF-style: chr19-38496516-G-C. GRCh37 (hg19) VCF-style: chr19-38987156-G-C.
Other names: c.6771G>C, p.Leu2257= (NM_001042723.2).
Identifiers: ClinVar variation 3069928 (VCV003069928.1), dbSNP rs1417744261, ClinGen allele CA507353713.
Genomic context (GRCh38, chr19:38,496,516, plus strand): 5'-CTATTTCTGCCGAATCAGCCGGCAGAACCAGCGCTCCATGTTTGACCACCTGAGCTACCT[G>C]CTGGAGAACAGTGGCATCGGCCTGGGTGAGAACCCCCGAGCCCAGGGGCTGTCCCCCAGA-3'
Protein context (NP_000531.2, residues 2247-2267): QRSMFDHLSY[Leu2257=]LENSGIGLGM